The following is an entry in ClinVar:

ClinVar aggregate classification (germline): Uncertain significance (1 of 4 stars; one submission).

Conditions:
Progressive myoclonic epilepsy. Also called: Progressive myoclonus epilepsy; Myoclonus epilepsy; Familial progressive myoclonic epilepsy; Myoclonic Epilepsies, Progressive. Identifiers: Orphanet 308, Orphanet 98261, MedGen C0751778, MONDO:0020074.

Allele frequency attached by ClinVar (database versions not stated): gnomAD exomes below 0.00001; TOPMed below 0.00001.
gnomAD v4.1: 5 of 1,257,686 alleles (0.0004%); highest among the groups gnomAD compares: African/African-American, 0.0016%; no homozygotes.

Submission:

Labcorp Genetics (formerly Invitae), Labcorp
Classification: Uncertain significance for Progressive myoclonic epilepsy. Last evaluated: 2022-08-10. Review status: criteria provided, single submitter. Criteria: Invitae Variant Classification Sherloc (09022015). Collection method: clinical testing. Allele origin: germline.
Comment: This sequence change replaces valine, which is neutral and non-polar, with leucine, which is neutral and non-polar, at codon 23 of the EPM2A protein (p.Val23Leu). This variant is not present in population databases (gnomAD no frequency). This variant has not been reported in the literature in individuals affected with EPM2A-related conditions. ClinVar contains an entry for this variant (Variation ID: 411295). Algorithms developed to predict the effect of missense changes on protein structure and function (SIFT, PolyPhen-2, Align-GVGD) all suggest that this variant is likely to be tolerated. In summary, the available evidence is currently insufficient to determine the role of this variant in disease. Therefore, it has been classified as a Variant of Uncertain Significance.

NM_005670.4(EPM2A):c.67G>C (p.Val23Leu)

Genes: EPM2A (EPM2A glucan phosphatase, laforin; minus strand), EPM2A-DT (EPM2A divergent transcript; plus strand), LOC129997381 (ATAC-STARR-seq lymphoblastoid silent region 17642; plus strand). Cytogenetic location: 6q24.3.
Variant type: single nucleotide variant.
Coding change: c.67G>C on transcript NM_005670.4 (MANE Select); coding-DNA position 67, G replaced by C.
Protein change: p.Val23Leu; replaces valine 23 with leucine.
Molecular consequence: missense variant. On other transcripts: 5 prime UTR variant (3), intron variant (1).
Genome position (GRCh38, 1-based): chr6:145,735,432, C>G on the plus strand (G>C on the coding strand, the complement: EPM2A is on the minus strand). VCF-style: chr6-145735432-C-G. GRCh37 (hg19) VCF-style: chr6-146056568-C-G.
Other names: c.67G>C, p.Val23Leu (NM_001018041.2, NM_001360057.2, NM_001368130.1); c.-603G>C (NM_001360071.2); c.-557G>C (NM_001368129.2); c.-301G>C (NM_001368131.1); c.-114+476G>C (NM_001360064.2); short protein forms V23L.
Identifiers: ClinVar variation 411295 (VCV000411295.6), dbSNP rs1060503233, ClinGen allele CA16611892.